The following is an entry in ClinVar:

NM_000030.3(AGXT):c.971_972del (p.Val324fs)

Gene: AGXT (alanine--glyoxylate aminotransferase; plus strand). Cytogenetic location: 2q37.3.
Variant type: Microsatellite.
Coding change: c.971_972del on transcript NM_000030.3 (MANE Select); coding-DNA positions 971 to 972, 2 bases deleted (TG; older notation c.971_972delTG).
Protein change: p.Val324fs; shifts the reading frame from valine 324.
Molecular consequence: frameshift variant.
Genome position (GRCh38, 1-based): chr2:240,878,050-240,878,051, TG deleted; deleting any 2 consecutive bases within chr2:240,878,048-240,878,051 gives the same sequence; the c. name uses the placement nearest the transcript's 3' end. VCF-style (leftmost placement, unchanged base first): chr2-240878047-CTG-C. GRCh37 (hg19) VCF-style: chr2-241817464-CTG-C.
Other names: c.971_972del (NM_000030.2); c.971_972delTG (NM_000030.3); short protein forms V324fs.
Identifiers: ClinVar variation 204209 (VCV000204209.13), dbSNP rs180177300, ClinGen allele CA275862.

ClinVar aggregate classification (germline): Pathogenic. Review status: criteria provided, multiple submitters, no conflicts (2 of 4 stars). 6 submissions from 6 submitters: Pathogenic (5). 1 of the submissions does not count toward it. Last evaluated 2025-07-31.

Conditions:
Primary hyperoxaluria, type I (HP1). Also called: GLYCOLIC ACIDURIA; HEPATIC AGT DEFICIENCY; OXALOSIS I; Primary hyperoxaluria type 1. Identifiers: Orphanet 416, Orphanet 93598, MedGen C0268164, MONDO:0009823, OMIM 259900. Disease mechanism: loss of function.

Submissions (6):

First Genomix Gene Laboratory, Genetic Diagnostics Department
Classification: Pathogenic for Primary hyperoxaluria, type I. Last evaluated: 2025-07-31. Review status: criteria provided, single submitter. Criteria: ACMG Guidelines, 2015. Collection method: clinical testing. Allele origin: germline. Inheritance: Autosomal recessive inheritance. Affected: no. Observed: 1 variant allele.

Natera, Inc.
Classification: Pathogenic for Primary hyperoxaluria type I. Last evaluated: 2025-02-03. Review status: criteria provided, single submitter. Criteria: Natera Variant Classification Schema (03/2026). Collection method: clinical testing. Allele origin: germline.
Comment: The c.971_972del variant in AGXT is a frameshift variant predicted to shift the reading frame beginning at codon 324 and leads to a stop codon 7 codons downstream. This variant is expected to result in nonsense mediated decay, truncation, or a dysfunctional protein product. This variant is rare in the general population with a frequency below the threshold expected for the associated phenotype(s). This variant has been observed in one or more individuals affected with the associated recessive disease, as either homozygous or compound heterozygous with a second variant (PMID: 34082749). Given the available evidence, this variant is classified as Pathogenic.

MVZ Medizinische Genetik Mainz
Classification: Pathogenic for Primary hyperoxaluria, type I. Last evaluated: 2024-07-29. Review status: criteria provided, single submitter. Criteria: UK Practice Guidelines For Variant Classification V4 01 2020. Collection method: clinical testing. Allele origin: germline. Inheritance: Autosomal recessive inheritance. Affected: yes. Observed: 1 variant allele.
Comment: ACMG Criteria: PVS1,PM3,PM2_SUP,PP4

Labcorp Genetics (formerly Invitae), Labcorp
Classification: Pathogenic. Last evaluated: 2023-10-03. Review status: criteria provided, single submitter. Criteria: Invitae Variant Classification Sherloc (09022015). Collection method: clinical testing. Allele origin: germline.
Comment: This sequence change creates a premature translational stop signal (p.Val324Glyfs*7) in the AGXT gene. It is expected to result in an absent or disrupted protein product. Loss-of-function variants in AGXT are known to be pathogenic (PMID: 19479957). This variant is not present in population databases (gnomAD no frequency). This premature translational stop signal has been observed in individual(s) with AGXT-related conditions (PMID: 19479957). ClinVar contains an entry for this variant (Variation ID: 204209). For these reasons, this variant has been classified as Pathogenic.

Revvity Omics, Revvity
Classification: Pathogenic for Primary hyperoxaluria, type I. Last evaluated: 2023-04-18. Review status: criteria provided, single submitter. Criteria: ACMG Guidelines, 2015. Collection method: clinical testing. Allele origin: germline.

Clinical Biochemistry Laboratory, Health Services Laboratory
Classification: Pathogenic for Primary hyperoxaluria, type I. Last evaluated: 2014-11-27. Review status: no assertion criteria provided. Collection method: research. Allele origin: germline. Affected: yes. Not counted in ClinVar's aggregate classification.

Literature cited by the submitters: PubMed 34082749 (cited by Natera, Inc.); PubMed 19479957 (cited by Labcorp Genetics (formerly Invitae), Labcorp and Clinical Biochemistry Laboratory, Health Services Laboratory).